The following is an entry in ClinVar:

ClinVar aggregate classification (germline): Conflicting classifications of pathogenicity. Review status: criteria provided, conflicting classifications (1 of 4 stars). 6 submissions from 6 submitters: Uncertain significance (5); Benign (1). Last evaluated 2026-02-02.

Conditions:
Colorectal cancer. Also called: Colorectal cancer, somatic; Malignant Colorectal Neoplasm. Identifiers: MedGen C0346629, MONDO:0005575, OMIM 114500.
Hereditary cancer-predisposing syndrome. Also called: Hereditary Cancer Syndrome; Tumor predisposition; Neoplastic Syndromes, Hereditary; Hereditary neoplastic syndrome. Identifiers: Orphanet 140162, MedGen C0027672, MeSH D009386, MONDO:0015356.
Oligodontia-cancer predisposition syndrome. Also called: TOOTH AGENESIS-COLORECTAL CANCER SYNDROME. Identifiers: Orphanet 300576, MedGen C1837750, MONDO:0012075, OMIM 608615. Disease mechanism: loss of function.

Allele frequency attached by ClinVar (database versions not stated): ExAC 0.00001; gnomAD 0.00001; gnomAD exomes 0.00001 and 0.00002; TOPMed 0.00001.

Submissions (6):

Labcorp Genetics (formerly Invitae), Labcorp
Classification: Uncertain significance for Oligodontia-cancer predisposition syndrome. Last evaluated: 2026-02-02. Review status: criteria provided, single submitter. Criteria: Invitae Variant Classification Sherloc (09022015). Collection method: clinical testing. Allele origin: germline.
Comment: This sequence change replaces glutamic acid, which is acidic and polar, with glutamine, which is neutral and polar, at codon 198 of the AXIN2 protein (p.Glu198Gln). This variant is present in population databases (rs772550463, gnomAD 0.002%). This variant has not been reported in the literature in individuals affected with AXIN2-related conditions. ClinVar contains an entry for this variant (Variation ID: 533215). Invitae Evidence Modeling of protein sequence and biophysical properties (such as structural, functional, and spatial information, amino acid conservation, physicochemical variation, residue mobility, and thermodynamic stability) indicates that this missense variant is not expected to disrupt AXIN2 protein function with a negative predictive value of 80%. In summary, the available evidence is currently insufficient to determine the role of this variant in disease. Therefore, it has been classified as a Variant of Uncertain Significance.

Center for Genomic Medicine, Rigshospitalet, Copenhagen University Hospital
Classification: Uncertain significance. Last evaluated: 2025-03-04. Review status: criteria provided, single submitter. Criteria: ACMG Guidelines, 2015. Collection method: clinical testing. Allele origin: germline.

GeneDx
Classification: Uncertain significance. Last evaluated: 2024-12-30. Review status: criteria provided, single submitter. Criteria: GeneDx Variant Classification Process June 2021. Collection method: clinical testing. Allele origin: germline. Affected: yes.
Comment: Not observed at significant frequency in large population cohorts (gnomAD); In silico analysis indicates that this missense variant does not alter protein structure/function; Has not been previously published as pathogenic or benign to our knowledge; This variant is associated with the following publications: (PMID: 27028851)

Ambry Genetics
Classification: Benign for Hereditary cancer-predisposing syndrome. Last evaluated: 2024-09-11. Review status: criteria provided, single submitter. Criteria: Ambry Variant Classification Scheme 2023. Collection method: clinical testing. Allele origin: germline.

Baylor Genetics
Classification: Uncertain significance for Colorectal cancer. Last evaluated: 2024-03-27. Review status: criteria provided, single submitter. Criteria: ACMG Guidelines, 2015. Collection method: clinical testing. Allele origin: unknown.

CeGaT Center for Human Genetics Tuebingen
Classification: Uncertain significance. Last evaluated: 2022-04-01. Review status: criteria provided, single submitter. Criteria: CeGaT Center For Human Genetics Tuebingen Variant Classification Criteria Version 2. Collection method: clinical testing. Allele origin: germline. Affected: yes. Observed: 1 variant allele.

NM_004655.4(AXIN2):c.592G>C (p.Glu198Gln)

Gene: AXIN2 (axin 2; minus strand). Cytogenetic location: 17q24.1.
Variant type: single nucleotide variant.
Coding change: c.592G>C on transcript NM_004655.4 (MANE Select); coding-DNA position 592, G replaced by C.
Protein change: p.Glu198Gln; replaces glutamic acid 198 with glutamine.
Molecular consequence: missense variant.
Genome position (GRCh38, 1-based): chr17:65,558,029, C>G on the plus strand (G>C on the coding strand, the complement: AXIN2 is on the minus strand). VCF-style: chr17-65558029-C-G. GRCh37 (hg19) VCF-style: chr17-63554147-C-G.
Other names: c.592G>C, p.Glu198Gln (NM_001363813.1); c.592G>C (LRG_296t1); short protein forms E198Q.
Identifiers: ClinVar variation 533215 (VCV000533215.45), dbSNP rs772550463, ClinGen allele CA8719026.